The following is an entry in ClinVar:

ClinVar aggregate classification (germline): Conflicting classifications of pathogenicity. Review status: criteria provided, conflicting classifications (1 of 4 stars). 4 submissions from 4 submitters: Uncertain significance (3); Likely benign (1). Last evaluated 2025-11-08.

Conditions:
Inborn genetic diseases. Identifiers: MedGen C0950123, MeSH D030342.
Facioscapulohumeral muscular dystrophy 2 (FSHD2). Also called: MUSCULAR DYSTROPHY, FACIOSCAPULOHUMERAL, TYPE 1B; FACIOSCAPULOHUMERAL MUSCULAR DYSTROPHY 2, DIGENIC; FSHD2, DIGENIC. Identifiers: Orphanet 269, MedGen C1834671, MONDO:0008031, OMIM 158901.

Allele frequency attached by ClinVar (database versions not stated): gnomAD 0.00003 and 0.00009; TOPMed 0.00004; gnomAD exomes 0.00011; ExAC 0.00015; 1000 Genomes Project 0.00040; 1000 Genomes Project 30x 0.00047.
gnomAD v4.1: 455 of 1,606,976 alleles (0.028%); highest among the groups gnomAD compares: East Asian, 0.98%; 6 homozygotes.

Submissions (4):

Ambry Genetics
Classification: Uncertain significance for Inborn genetic diseases. Last evaluated: 2025-11-08. Review status: criteria provided, single submitter. Criteria: Ambry Variant Classification Scheme 2023. Collection method: clinical testing. Allele origin: germline.

Labcorp Genetics (formerly Invitae), Labcorp
Classification: Uncertain significance for Facioscapulohumeral muscular dystrophy 2. Last evaluated: 2025-07-27. Review status: criteria provided, single submitter. Criteria: Invitae Variant Classification Sherloc (09022015). Collection method: clinical testing. Allele origin: germline.
Comment: This sequence change replaces serine, which is neutral and polar, with leucine, which is neutral and non-polar, at codon 1709 of the SMCHD1 protein (p.Ser1709Leu). This variant is present in population databases (rs151311806, gnomAD 0.1%), and has an allele count higher than expected for a pathogenic variant. This variant has not been reported in the literature in individuals affected with SMCHD1-related conditions. ClinVar contains an entry for this variant (Variation ID: 260653). Invitae Evidence Modeling of protein sequence and biophysical properties (such as structural, functional, and spatial information, amino acid conservation, physicochemical variation, residue mobility, and thermodynamic stability) indicates that this missense variant is not expected to disrupt SMCHD1 protein function with a negative predictive value of 80%. In summary, the available evidence is currently insufficient to determine the role of this variant in disease. Therefore, it has been classified as a Variant of Uncertain Significance.

Eurofins Ntd Llc (ga)
Classification: Uncertain significance. Last evaluated: 2016-07-05. Review status: criteria provided, single submitter. Criteria: EGL Classification Definitions 2015. Collection method: clinical testing. Allele origin: germline. Observed: 1 variant allele, 1 heterozygote.

PreventionGenetics, part of Exact Sciences
Classification: Likely benign. Review status: criteria provided, single submitter. Criteria: ACMG Guidelines, 2015. Collection method: clinical testing. Allele origin: germline.

NM_015295.3(SMCHD1):c.5126C>T (p.Ser1709Leu)

Gene: SMCHD1 (structural maintenance of chromosomes flexible hinge domain containing 1; plus strand). Cytogenetic location: 18p11.32.
Variant type: single nucleotide variant.
Coding change: c.5126C>T on transcript NM_015295.3 (MANE Select); coding-DNA position 5126, C replaced by T.
Protein change: p.Ser1709Leu; replaces serine 1709 with leucine.
Molecular consequence: missense variant.
Genome position (GRCh38, 1-based): chr18:2,772,323, C>T. VCF-style: chr18-2772323-C-T. GRCh37 (hg19) VCF-style: chr18-2772321-C-T.
Other names: short protein forms S1709L.
Identifiers: ClinVar variation 260653 (VCV000260653.10), dbSNP rs151311806, ClinGen allele CA8871665.